The following is an entry in ClinVar:

ClinVar aggregate classification (germline): Uncertain significance (1 of 4 stars; one submission).

Conditions:
Inborn genetic diseases. Identifiers: MedGen C0950123, MeSH D030342.

Submission:

Ambry Genetics
Classification: Uncertain significance for Inborn genetic diseases. Last evaluated: 2023-08-26. Review status: criteria provided, single submitter. Criteria: Ambry Variant Classification Scheme 2023. Collection method: clinical testing. Allele origin: germline.
Comment: The p.K26I variant (also known as c.77A>T), located in coding exon 2 of the BUB1B gene, results from an A to T substitution at nucleotide position 77. The lysine at codon 26 is replaced by isoleucine, an amino acid with dissimilar properties. This amino acid position is conserved. In addition, this alteration is predicted to be deleterious by in silico analysis. Since supporting evidence is limited at this time, the clinical significance of this alteration remains unclear.

NM_001211.6(BUB1B):c.77A>T (p.Lys26Ile)

Gene: BUB1B (BUB1 mitotic checkpoint serine/threonine kinase B; plus strand). Cytogenetic location: 15q15.1.
Variant type: single nucleotide variant.
Coding change: c.77A>T on transcript NM_001211.6 (MANE Select); coding-DNA position 77, A replaced by T.
Protein change: p.Lys26Ile; replaces lysine 26 with isoleucine.
Molecular consequence: missense variant.
Genome position (GRCh38, 1-based): chr15:40,165,094, A>T. VCF-style: chr15-40165094-A-T. GRCh37 (hg19) VCF-style: chr15-40457295-A-T.
Other names: short protein forms K26I.
Identifiers: ClinVar variation 2585931 (VCV002585931.2), dbSNP rs2542508584, ClinGen allele CA391676998.
Genomic context (GRCh38, chr15:40,165,094, plus strand): 5'-TTTGTTTCCTTCTTCACAGTGAAGCCATGTCCCTGGAGGGAGATGAATGGGAACTGAGTA[A>T]AGAAAATGTACAACCTTTAAGGCAAGGGCGGATCATGTCCACGCTTCAGGGAGCACTGGC-3'
Protein context (NP_001202.5, residues 16-36): SLEGDEWELS[Lys26Ile]ENVQPLRQGR